The following is an entry in ClinVar:

ClinVar aggregate classification (germline): Likely pathogenic (1 of 4 stars; one submission).

Conditions:
Duchenne muscular dystrophy (DMD). Also called: Duchenne Muscular Dystrophy (DMD); MUSCULAR DYSTROPHY, PSEUDOHYPERTROPHIC PROGRESSIVE, DUCHENNE TYPE. Identifiers: Orphanet 98896, MedGen C0013264, MONDO:0010679, OMIM 310200.

Submission:

Labcorp Genetics (formerly Invitae), Labcorp
Classification: Likely pathogenic for Duchenne muscular dystrophy. Last evaluated: 2022-08-16. Review status: criteria provided, single submitter. Criteria: Invitae Variant Classification Sherloc (09022015). Collection method: clinical testing. Allele origin: germline.
Comment: This sequence change affects a splice site in intron 2 of the DMD gene. It is expected to disrupt RNA splicing. Variants that disrupt the donor or acceptor splice site typically lead to a loss of protein function (PMID: 16199547), and loss-of-function variants in DMD are known to be pathogenic (PMID: 16770791, 25007885). In summary, the currently available evidence indicates that the variant is pathogenic, but additional data are needed to prove that conclusively. Therefore, this variant has been classified as Likely Pathogenic. Algorithms developed to predict the effect of sequence changes on RNA splicing suggest that this variant may disrupt the consensus splice site. ClinVar contains an entry for this variant (Variation ID: 1466834). This variant has not been reported in the literature in individuals affected with DMD-related conditions. This variant is not present in population databases (gnomAD no frequency).

Literature cited by the submitters: PubMed 16199547; PubMed 16770791; PubMed 25007885.

NM_004006.3(DMD):c.94-3_94-2del

Gene: DMD (dystrophin; minus strand). Cytogenetic location: Xp21.1.
Variant type: Deletion.
Coding change: c.94-3_94-2del on transcript NM_004006.3 (MANE Select); 3 bases into the intron before coding-DNA position 94 through the canonical splice acceptor site of the intron before coding-DNA position 94, 2 bases deleted (CA; older notation c.94-3_94-2delCA).
Molecular consequence: splice acceptor variant.
Genome position (GRCh38, 1-based): chrX:32,849,822-32,849,823, TG deleted on the plus strand (CA on the coding strand, the reverse complement: DMD is on the minus strand). VCF-style (leftmost placement, unchanged base first): chrX-32849821-CTG-C. GRCh37 (hg19) VCF-style: chrX-32867938-CTG-C.
Other names: c.70-3_70-2del (NM_000109.4); c.82-3_82-2del (NM_004009.3); c.-276-3_-276-2del (NM_004010.3).
Identifiers: ClinVar variation 1466834 (VCV001466834.6), dbSNP rs2149015783, ClinGen allele CA2573158598.